The following is an entry in ClinVar:

ClinVar aggregate classification (germline): Conflicting classifications of pathogenicity. Review status: criteria provided, conflicting classifications (1 of 4 stars). 12 submissions from 11 submitters: Uncertain significance (6); Likely benign (6). Last evaluated 2026-05-13.

Conditions:
NF1-related disorder. Also called: NF1-related condition. Identifiers: MedGen CN379171.
Cardiovascular phenotype. Identifiers: MedGen CN230736.
Hereditary cancer-predisposing syndrome. Also called: Neoplastic Syndromes, Hereditary; Tumor predisposition; Hereditary neoplastic syndrome; Hereditary Cancer Syndrome. Identifiers: Orphanet 140162, MedGen C0027672, MeSH D009386, MONDO:0015356.
Hereditary cancer. Identifiers: MedGen C1333600.
Neurofibromatosis, type 1 (NF1). Also called: VON RECKLINGHAUSEN DISEASE; Peripheral type neurofibromatosis; Neurofibromatosis, type I; NEUROFIBROMATOSIS, TYPE I, SOMATIC. Identifiers: Orphanet 636, MedGen C0027831, MONDO:0018975, OMIM 162200. Disease mechanism: loss of function.

Allele frequency attached by ClinVar (database versions not stated): ExAC 0.00002; gnomAD exomes 0.00005; gnomAD 0.00027 and 0.00029; TOPMed 0.00028; ESP Exome Variant Server 0.00031.
gnomAD v4.1: 71 of 1,613,756 alleles (0.0044%); highest among the groups gnomAD compares: African/African-American, 0.083%; no homozygotes.

Submissions (12):

Myriad Genetics, Inc.
Classification: Likely benign for Neurofibromatosis, type 1. Last evaluated: 2026-05-13. Review status: criteria provided, single submitter. Criteria: Myriad Autosomal Dominant, Autosomal Recessive and X-Linked Classification Criteria (2023). Collection method: clinical testing. Allele origin: unknown.
Comment: This variant is considered likely benign. This variant has been observed at a population frequency that is significantly greater than expected given the associated disease prevalence and penetrance.

Labcorp Genetics (formerly Invitae), Labcorp
Classification: Likely benign for Neurofibromatosis, type 1. Last evaluated: 2026-02-04. Review status: criteria provided, single submitter. Criteria: Invitae Variant Classification Sherloc (09022015). Collection method: clinical testing. Allele origin: germline.

PreventionGenetics, part of Exact Sciences
Classification: Uncertain significance for NF1-related condition. Last evaluated: 2025-10-10. Review status: criteria provided, single submitter. Criteria: ACMG Guidelines, 2015. Collection method: clinical testing. Allele origin: germline.
Comment: The NF1 c.5906A>T variant is predicted to result in the amino acid substitution p.Gln1969Leu. This variant has been reported as a variant of uncertain significance in patients with cancer (breast and paraganglioma/pheochromocytoma) (Table S3, Guindalini et al. 2022. PubMed ID: 35264596; Supp Table 1, Lima et al. 2023. PubMed ID: 37529773). This variant is reported in 0.084% of alleles in individuals of African descent in gnomAD and has conflicting interpretations regarding its pathogenicity in ClinVar, ranging from uncertain significance to likely benign (Variation ID: 185913). At this time, the clinical significance of this variant is uncertain due to the absence of conclusive functional and genetic evidence.

Institute for Biomarker Research, Medical Diagnostic Laboratories, L.L.C.
Classification: Uncertain significance for Hereditary cancer-predisposing syndrome. Last evaluated: 2025-04-24. Review status: criteria provided, single submitter. Criteria: ACMG Guidelines, 2015. Collection method: clinical testing. Allele origin: germline.
Comment: The missense variant NM_000267.3(NF1):c.5843A>T (p.Gln1948Leu) has not been reported previously as a pathogenic variant, to our knowledge. There is a moderate physicochemical difference between glutamine and leucine. The gene NF1 has a low rate of benign missense variation as indicated by a high missense variants Z-Score of 8.41. The gene NF1 contains 606 pathogenic missense variants, indicating that missense variants are a common mechanism of disease in this gene. For these reasons, this variant has been classified as Uncertain Significance

Blueprint Genetics
Classification: Likely benign. Last evaluated: 2024-06-10. Review status: criteria provided, single submitter. Criteria: ACMG Guidelines, 2015. Collection method: clinical testing. Allele origin: germline.

Mendelics
Classification: Likely benign for Hereditary cancer. Last evaluated: 2024-01-23. Review status: criteria provided, single submitter. Criteria: ACMG Guidelines, 2015. Collection method: clinical testing. Allele origin: unknown.

Women's Health and Genetics/Laboratory Corporation of America, LabCorp
Classification: Likely benign. Last evaluated: 2023-07-03. Review status: criteria provided, single submitter. Criteria: LabCorp Variant Classification Summary - May 2015. Collection method: clinical testing. Allele origin: germline.
Comment: Variant summary: NF1 c.5843A>T (p.Gln1948Leu) results in a non-conservative amino acid change in the encoded protein sequence. Three of five in-silico tools predict a benign effect of the variant on protein function. The variant allele was found at a frequency of 4.8e-05 in 251356 control chromosomes, predominantly at a frequency of 0.00074 within the African or African-American subpopulation in the gnomAD database. The observed variant frequency within African or African-American control individuals in the gnomAD database is approximately 4 fold of the estimated maximal expected allele frequency for a pathogenic variant in NF1 causing Neurofibromatosis Type 1 phenotype (0.00021), strongly suggesting that the variant is a benign polymorphism found primarily in populations of African or African-American origin. Although a pseudogene is present, this region does not have high homology to the pseudogene. p. c.5843A>T has been reported in the literature in an individual with Breast cancer (Guindalini_2022) without strong evidence for causality. This report does not provide unequivocal conclusions about association of the variant with Neurofibromatosis Type 1. To our knowledge, no experimental evidence demonstrating an impact on protein function has been reported. The following publications have been ascertained in the context of this evaluation (PMID: 27069254, 10678181, 23460398, 29872168, 35264596, 29089047). Seven submitters have cited clinical-significance assessments for this variant to ClinVar after 2014 and classified as VUS (n=5) and likely benign (n=2). Based on the evidence outlined above, the variant was classified as likely benign.

Sema4
Classification: Uncertain significance for Hereditary cancer-predisposing syndrome. Last evaluated: 2021-09-24. Review status: criteria provided, single submitter. Criteria: Sema4 Curation Guidelines. Collection method: curation. Allele origin: germline.
Comment: The NF1 c.5843A>T (p.Q1948L) variant has been reported in heterozygosity in at least two individuals with breast cancer (PMID: 29684080, 33471991). It was observed in 21/24956 chromosomes of the African/African American subpopulation, with no homozygotes, in the large and broad cohorts of the Genome Aggregation Database (PMID: 32461654). The variant has been reported in ClinVar (Variation ID 185913). Functional studies have not been performed, and in silico predictions of the variant's effect on protein function are inconclusive. The evidence is insufficient to meet ACMG/AMP criteria for classifying the variant as benign or pathogenic. Thus, the clinical significance of this variant is currently uncertain.

Genetic Services Laboratory, University of Chicago
Classification: Uncertain significance. Last evaluated: 2021-05-03. Review status: criteria provided, single submitter. Criteria: ACMG Guidelines, 2015. Collection method: clinical testing. Allele origin: germline. Affected: no.
Comment: DNA sequence analysis of the NF1 gene demonstrated a sequence change, c.5843A>T, in exon 39 that results in an amino acid change, p.Gln1948Leu. This sequence change does not appear to have been previously described in patients with NF1-related disorders. This sequence change has been described in the gnomAD database with a frequency of 0.084% in the African/African American subpopulation (dbSNP rs143502927). The p.Gln1948Leu change affects a moderately conserved amino acid residue located in a domain of the NF1 protein that is known to be functional. The p.Gln1948Leu substitution appears to be benign using several in-silico pathogenicity prediction tools (SIFT, PolyPhen2, Align GVGD, REVEL). Due to the lack of functional studies, the clinical significance of the p.Gln1948Leu change remains unknown at this time.

Ambry Genetics
Classification: Likely benign for Cardiovascular phenotype; Hereditary cancer-predisposing syndrome. Last evaluated: 2021-01-21. Review status: criteria provided, single submitter. Criteria: Ambry Variant Classification Scheme 2023. Collection method: clinical testing. Allele origin: germline.

GeneDx
Classification: Uncertain significance. Last evaluated: 2018-03-28. Review status: criteria provided, single submitter. Criteria: GeneDx Variant Classification (06012015). Collection method: clinical testing. Allele origin: germline. Affected: yes.
Comment: This variant is denoted NF1 c.5843A>T at the cDNA level, p.Gln1948Leu (Q1948L) at the protein level, and results in the change of a Glutamine to a Leucine (CAA>CTA). This variant was observed in one individual undergoing whole exome sequencing, for whom no specific clinical information was provided (Li 2017). NF1 Gln1948Leu was observed at an allele frequency of 0.08% (20/24,020) in individuals of African ancestry in large population cohorts (Lek 2016). This variant is not located in a known functional domain. In silico analysis, which includes protein predictors and evolutionary conservation, supports a deleterious effect. Based on currently available evidence, it is unclear whether NF1 Gln1948Leu is a pathogenic or benign variant. We consider it to be a variant of uncertain significance.

Ambry Genetics
Classification: Uncertain significance for Hereditary cancer-predisposing syndrome. Last evaluated: 2015-11-14. Review status: criteria provided, single submitter. Criteria: Ambry Autosomal Dominant and X-Linked criteria (10/2015). Collection method: clinical testing. Allele origin: germline. Observed: 1 variant allele.
Comment: Ã¢â‚¬â€¹<span style="background-color:initial">Thep.Q1969L<span style="background-color:initial"> variant (also known as c.5906A>T), located in coding exon 40 of theNF1<span style="background-color:initial"> gene, results from an A to T substitution at nucleotide position 5906. The glutamine at codon 1969 is replaced by leucine, an amino acid with dissimilar properties. This variant was previously reported in the SNPDatabase as rs143502927. Based on data from the NHLBI Exome Sequencing Project (ESP), the T allele has an overall frequency of approximately 0.03% (4/13006) total alleles studied, having been observed in 0.09% (4/4406) African American alleles. This variant was not reported in the 1000 Genomes Project population-based cohort. To date, this alteration has been detected with an allele frequency of approximately 0.013% (greater than 110000 alleles tested) in our clinical cohort. This amino acid position is highly conserved in available vertebrate species. In addition, this alteration is predicted to be benign and tolerated by PolyPhen and SIFTin silico<span style="background-color:initial"> analyses, respectively. Since supporting evidence is limited at this time, the clinical significance of p.Q1969L remains unclear.

Literature cited by the submitters: PubMed 10678181 (cited by Women's Health and Genetics/Laboratory Corporation of America, LabCorp); PubMed 23460398 (cited by Women's Health and Genetics/Laboratory Corporation of America, LabCorp); PubMed 29872168 (cited by Women's Health and Genetics/Laboratory Corporation of America, LabCorp); PubMed 35264596 (cited by Women's Health and Genetics/Laboratory Corporation of America, LabCorp); PubMed 29089047 (cited by Women's Health and Genetics/Laboratory Corporation of America, LabCorp); PubMed 29684080 (cited by Sema4); PubMed 33471991 (cited by Sema4).

NM_001042492.3(NF1):c.5906A>T (p.Gln1969Leu)

Gene: NF1 (neurofibromin 1; plus strand). Cytogenetic location: 17q11.2.
Variant type: single nucleotide variant.
Coding change: c.5906A>T on transcript NM_001042492.3 (MANE Select); coding-DNA position 5906, A replaced by T.
Protein change: p.Gln1969Leu; replaces glutamine 1969 with leucine.
Molecular consequence: missense variant.
Genome position (GRCh38, 1-based): chr17:31,334,931, A>T. VCF-style: chr17-31334931-A-T. GRCh37 (hg19) VCF-style: chr17-29661949-A-T.
Other names: c.5843A>T, p.Gln1948Leu (NM_000267.4); short protein forms Q1948L, Q1969L.
Identifiers: ClinVar variation 185913 (VCV000185913.26), dbSNP rs143502927, ClinGen allele CA193347.